The following is an entry in ClinVar:

ClinVar aggregate classification (germline): Uncertain significance. Review status: criteria provided, multiple submitters, no conflicts (2 of 4 stars). 2 submissions from 2 submitters: Uncertain significance (2). Last evaluated 2025-08-13.

Allele frequency attached by ClinVar (database versions not stated): gnomAD exomes below 0.00001 and 0.00001; ExAC 0.00001; TOPMed 0.00001; gnomAD 0.00003.
gnomAD v4.1: 8 of 1,549,192 alleles (0.00052%); highest among the groups gnomAD compares: Non-Finnish European, 0.00069%; no homozygotes.

Submissions (2):

GeneDx
Classification: Uncertain significance. Last evaluated: 2025-08-13. Review status: criteria provided, single submitter. Criteria: GeneDx Variant Classification Process June 2021. Collection method: clinical testing. Allele origin: germline. Affected: yes.
Comment: Not observed at significant frequency in large population cohorts (gnomAD); In silico analysis supports a deleterious effect on splicing; Has not been previously published as pathogenic or benign to our knowledge

Athena Diagnostics
Classification: Uncertain significance. Last evaluated: 2018-09-18. Review status: criteria provided, single submitter. Criteria: Athena Diagnostics Criteria. Collection method: clinical testing. Allele origin: germline.

NM_001267550.2(TTN):c.34538-5T>A

Gene: TTN (titin; minus strand). Cytogenetic location: 2q31.2.
Variant type: single nucleotide variant.
Coding change: c.34538-5T>A on transcript NM_001267550.2 (MANE Select); 5 bases into the intron before coding-DNA position 34538, T replaced by A.
Molecular consequence: intron variant.
Genome position (GRCh38, 1-based): chr2:178,675,118, A>T on the plus strand (T>A on the coding strand, the complement: TTN is on the minus strand). VCF-style: chr2-178675118-A-T. GRCh37 (hg19) VCF-style: chr2-179539845-A-T.
Other names: c.13283-32801T>A (NM_003319.4); c.13859-32801T>A (NM_133437.4); c.13658-32801T>A (NM_133432.3); c.30635-5T>A (NM_133378.4); c.33416-5T>A (NM_001256850.1).
Identifiers: ClinVar variation 805711 (VCV000805711.5), dbSNP rs771217707, ClinGen allele CA1998038.